The following is an entry in ClinVar:

NM_014727.3(KMT2B):c.3313_3314insCCCTGCTTCTCGGC (p.Arg1105fs)

Gene: KMT2B (lysine methyltransferase 2B; plus strand). Cytogenetic location: 19q13.12.
Variant type: Insertion.
Coding change: c.3313_3314insCCCTGCTTCTCGGC on transcript NM_014727.3 (MANE Select); coding-DNA positions 3313 to 3314, CCCTGCTTCTCGGC inserted.
Protein change: p.Arg1105fs; shifts the reading frame from arginine 1105.
Molecular consequence: frameshift variant.
Genome position: GRCh38 VCF-style: chr19-35723980-C-CCTCGGCCCCTGCTT. GRCh37 (hg19) VCF-style: chr19-36214881-C-CCTCGGCCCCTGCTT.
Other names: short protein forms R1105fs.
Identifiers: ClinVar variation 4856342 (VCV004856342.1).

ClinVar aggregate classification (germline): Likely pathogenic (1 of 4 stars; one submission).

Conditions:
Dystonia 28, childhood-onset (DYT28). Also called: KMT2B-Related Dystonia (DYT-KMT2B). Identifiers: Orphanet 589618, MedGen C4310633, MONDO:0015004, OMIM 617284.

Submission:

3billion
Classification: Likely pathogenic for Dystonia 28, childhood-onset. Last evaluated: 2025-08-07. Review status: criteria provided, single submitter. Criteria: ACMG Guidelines, 2015. Collection method: clinical testing. Allele origin: germline. Affected: yes.
Comment: The variant is not observed in the gnomAD v4.1.0 dataset. Predicted Consequence/Location: Frameshift: predicted to result in a loss or disruption of normal protein function through nonsense-mediated decay (NMD) or protein truncation. Multiple pathogenic variants are reported downstream of the variant. Therefore, this variant is classified as Likely pathogenic according to the recommendation of ACMG/AMP guideline.